The following is an entry in ClinVar:

ClinVar aggregate classification (germline): Uncertain significance (1 of 4 stars; one submission).

Conditions:
Perlman syndrome (PRLMNS). Identifiers: Orphanet 2849, MedGen C0796113, MONDO:0009965, OMIM 267000.

gnomAD v4.1: 2 of 1,614,202 alleles (0.00012%); highest among the groups gnomAD compares: Non-Finnish European, 0.00017%; no homozygotes.

Submission:

Labcorp Genetics (formerly Invitae), Labcorp
Classification: Uncertain significance for Perlman syndrome. Last evaluated: 2023-02-10. Review status: criteria provided, single submitter. Criteria: Invitae Variant Classification Sherloc (09022015). Collection method: clinical testing. Allele origin: germline.
Comment: In summary, the available evidence is currently insufficient to determine the role of this variant in disease. Therefore, it has been classified as a Variant of Uncertain Significance. Advanced modeling of protein sequence and biophysical properties (such as structural, functional, and spatial information, amino acid conservation, physicochemical variation, residue mobility, and thermodynamic stability) performed at Invitae indicates that this missense variant is not expected to disrupt DIS3L2 protein function. ClinVar contains an entry for this variant (Variation ID: 571420). This variant has not been reported in the literature in individuals affected with DIS3L2-related conditions. This variant is not present in population databases (gnomAD no frequency). This sequence change replaces isoleucine, which is neutral and non-polar, with phenylalanine, which is neutral and non-polar, at codon 467 of the DIS3L2 protein (p.Ile467Phe).

NM_152383.5(DIS3L2):c.1399A>T (p.Ile467Phe)

Gene: DIS3L2 (DIS3 like 3'-5' exoribonuclease 2; plus strand). Cytogenetic location: 2q37.1.
Variant type: single nucleotide variant.
Coding change: c.1399A>T on transcript NM_152383.5 (MANE Select); coding-DNA position 1399, A replaced by T.
Protein change: p.Ile467Phe; replaces isoleucine 467 with phenylalanine.
Molecular consequence: missense variant. On other transcripts: non-coding transcript variant (2).
Genome position (GRCh38, 1-based): chr2:232,249,320, A>T. VCF-style: chr2-232249320-A-T. GRCh37 (hg19) VCF-style: chr2-233114030-A-T.
Other names: c.1399A>T, p.Ile467Phe (NM_001257281.2); short protein forms I467F.
Identifiers: ClinVar variation 571420 (VCV000571420.10), dbSNP rs1559174475, ClinGen allele CA351155522.